The following is an entry in ClinVar:

NC_000015.9:g.(?_31196867)_(32404120_?)dup

Genes: CHRNA7 (cholinergic receptor nicotinic alpha 7 subunit), FAN1 (FANCD2 and FANCI associated nuclease 1; plus strand), KLF13 (KLF transcription factor 13; plus strand), MIR211 (microRNA 211; minus strand), MTMR10 (myotubularin related protein 10; minus strand) and 2 more. Cytogenetic location: 15q13.2-13.3.
Variant type: Duplication.
Identifiers: ClinVar variation 1410613 (VCV001410613.5).

ClinVar aggregate classification (germline): Uncertain significance (1 of 4 stars; one submission).

Submission:

Labcorp Genetics (formerly Invitae), Labcorp
Classification: Uncertain significance. Last evaluated: 2022-08-15. Review status: criteria provided, single submitter. Criteria: Invitae Variant Classification Sherloc (09022015). Collection method: clinical testing. Allele origin: germline.
Comment: A copy number gain of the genomic region encompassing the full coding sequence of the TRPM1 gene has been identified. The boundaries of this event are unknown as they extend beyond the assayed region for this gene and therefore may encompass additional genes. As the precise location of this event is unknown, it may be in tandem or it may be located elsewhere in the genome. This variant has not been reported in the literature in individuals affected with TRPM1-related conditions. In summary, the available evidence is currently insufficient to determine the role of this variant in disease. Therefore, it has been classified as a Variant of Uncertain Significance.